The following is an entry in ClinVar:

NM_000138.5(FBN1):c.4684T>C (p.Cys1562Arg)

Gene: FBN1 (fibrillin 1; minus strand). Cytogenetic location: 15q21.1.
Variant type: single nucleotide variant.
Coding change: c.4684T>C on transcript NM_000138.5 (MANE Select); coding-DNA position 4684, T replaced by C.
Protein change: p.Cys1562Arg; replaces cysteine 1562 with arginine.
Molecular consequence: missense variant.
Genome position (GRCh38, 1-based): chr15:48,468,001, A>G on the plus strand (T>C on the coding strand, the complement: FBN1 is on the minus strand). VCF-style: chr15-48468001-A-G. GRCh37 (hg19) VCF-style: chr15-48760198-A-G.
Other names: short protein forms C1562R.
Identifiers: ClinVar variation 1685819 (VCV001685819.3), dbSNP rs193922207, ClinGen allele CA392352978.

ClinVar aggregate classification (germline): Pathogenic/Likely pathogenic. Review status: criteria provided, multiple submitters, no conflicts (2 of 4 stars). 2 submissions from 2 submitters: Pathogenic (1); Likely pathogenic (1). Last evaluated 2022-05-04.

Conditions:
Familial thoracic aortic aneurysm and aortic dissection (TAAD). Also called: Thoracic aortic aneurysms and dissections. Identifiers: Orphanet 91387, MedGen C4707243, MONDO:0019625.
Acromicric dysplasia (ACMICD). Also called: Acromicric skeletal dysplasia. Identifiers: Orphanet 969, MedGen C0265287, MONDO:0007055, OMIM 102370.

Submissions (2):

Mendelics
Classification: Pathogenic for Acromicric dysplasia. Last evaluated: 2022-05-04. Review status: criteria provided, single submitter. Criteria: Mendelics Assertion Criteria 2019. Collection method: clinical testing. Allele origin: germline.

Ambry Genetics
Classification: Likely pathogenic for Familial thoracic aortic aneurysm and aortic dissection. Last evaluated: 2020-12-22. Review status: criteria provided, single submitter. Criteria: Ambry Variant Classification Scheme 2023. Collection method: clinical testing. Allele origin: germline.
Comment: The p.C1562R variant (also known as c.4684T>C), located in coding exon 37 of the FBN1 gene, results from a T to C substitution at nucleotide position 4684. The cysteine at codon 1562 is replaced by arginine, an amino acid with highly dissimilar properties, and is located in the TGFBP#04 domain. The majority of FBN1 mutations identified to date have involved the substitution or generation of cysteine residues within cbEGF domains (Vollbrandt T et al. J Biol Chem. 2004;279(31):32924-32931). Based on internal structural assessment, this alteration eliminates a structurally critical disulfide bond in the structurally sensitive TGFBP#04. This variant was not reported in population-based cohorts in the Genome Aggregation Database (gnomAD). This amino acid position is highly conserved in available vertebrate species. In addition, this alteration is predicted to be deleterious by in silico analysis. Based on the majority of available evidence to date, this variant is likely to be pathogenic.